The following is an entry in ClinVar:

ClinVar aggregate classification (germline): Likely benign (1 of 4 stars; one submission).

gnomAD v4.1: 14 of 1,613,698 alleles (0.00087%); highest among the groups gnomAD compares: South Asian, 0.0066%; no homozygotes.

Submission:

CeGaT Center for Human Genetics Tuebingen
Classification: Likely benign. Last evaluated: 2026-05-01. Review status: criteria provided, single submitter. Criteria: CeGaT Center For Human Genetics Tuebingen Variant Classification Criteria Version 2. Collection method: clinical testing. Allele origin: germline. Affected: yes. Observed: 1 variant allele.
Comment: GEMIN4: BP4, BP7

NM_015721.3(GEMIN4):c.789C>T (p.Thr263=)

Gene: GEMIN4 (gem nuclear organelle associated protein 4; minus strand). Cytogenetic location: 17p13.3.
Variant type: single nucleotide variant.
Coding change: c.789C>T on transcript NM_015721.3 (MANE Select); coding-DNA position 789, C replaced by T.
Protein change: p.Thr263=; no amino-acid change (threonine 263 retained).
Molecular consequence: synonymous variant.
Genome position (GRCh38, 1-based): chr17:747,254, G>A on the plus strand (C>T on the coding strand, the complement: GEMIN4 is on the minus strand). VCF-style: chr17-747254-G-A. GRCh37 (hg19) VCF-style: chr17-650494-G-A.
Identifiers: ClinVar variation 4874000 (VCV004874000.2).